The following is an entry in ClinVar:

ClinVar aggregate classification (germline): Uncertain significance. Review status: criteria provided, multiple submitters, no conflicts (2 of 4 stars). 2 submissions from 2 submitters: Uncertain significance (2). Last evaluated 2024-05-08.

Conditions:
Usher syndrome type 3B. Also called: USHER SYNDROME, TYPE IIIB. Identifiers: MedGen C3281066, MONDO:0013788, OMIM 614504.

Allele frequency attached by ClinVar (database versions not stated): gnomAD exomes 0.00001 and 0.00002; TOPMed 0.00001; ExAC 0.00002.

Submissions (2):

GeneDx
Classification: Uncertain significance. Last evaluated: 2024-05-08. Review status: criteria provided, single submitter. Criteria: GeneDx Variant Classification Process June 2021. Collection method: clinical testing. Allele origin: germline. Affected: yes.
Comment: In silico analysis indicates that this missense variant does not alter protein structure/function; Has not been previously published as pathogenic or benign to our knowledge

Labcorp Genetics (formerly Invitae), Labcorp
Classification: Uncertain significance for Usher syndrome type 3B. Last evaluated: 2023-05-16. Review status: criteria provided, single submitter. Criteria: Invitae Variant Classification Sherloc (09022015). Collection method: clinical testing. Allele origin: germline.
Comment: In summary, the available evidence is currently insufficient to determine the role of this variant in disease. Therefore, it has been classified as a Variant of Uncertain Significance. Advanced modeling of protein sequence and biophysical properties (such as structural, functional, and spatial information, amino acid conservation, physicochemical variation, residue mobility, and thermodynamic stability) performed at Invitae indicates that this missense variant is not expected to disrupt HARS protein function. ClinVar contains an entry for this variant (Variation ID: 1680336). This variant has not been reported in the literature in individuals affected with HARS-related conditions. This variant is present in population databases (rs777238077, gnomAD 0.02%). This sequence change replaces methionine, which is neutral and non-polar, with isoleucine, which is neutral and non-polar, at codon 195 of the HARS protein (p.Met195Ile).

NM_002109.6(HARS1):c.585G>C (p.Met195Ile)

Gene: HARS1 (histidyl-tRNA synthetase 1; minus strand). Cytogenetic location: 5q31.3.
Variant type: single nucleotide variant.
Coding change: c.585G>C on transcript NM_002109.6 (MANE Select); coding-DNA position 585, G replaced by C.
Protein change: p.Met195Ile; replaces methionine 195 with isoleucine.
Molecular consequence: missense variant.
Genome position (GRCh38, 1-based): chr5:140,677,953, C>G on the plus strand (G>C on the coding strand, the complement: HARS1 is on the minus strand). VCF-style: chr5-140677953-C-G. GRCh37 (hg19) VCF-style: chr5-140057538-C-G.
Other names: c.585G>C (NM_002109.5); c.465G>C, p.Met155Ile (NM_001258040.3); c.525G>C, p.Met175Ile (NM_001258041.3); c.405G>C, p.Met135Ile (NM_001258042.3); c.363G>C, p.Met121Ile (NM_001289092.2); c.243G>C, p.Met81Ile (NM_001289093.2); c.498G>C, p.Met166Ile (NM_001289094.2); short protein forms M121I, M135I, M155I, M166I, M175I, M195I, M81I.
Identifiers: ClinVar variation 1680336 (VCV001680336.8), dbSNP rs777238077, ClinGen allele CA3444064.